The following is an entry in ClinVar:

ClinVar aggregate classification (germline): Uncertain significance. Review status: criteria provided, multiple submitters, no conflicts (2 of 4 stars). 3 submissions from 3 submitters: Uncertain significance (3). Last evaluated 2025-09-02.

Conditions:
Paget disease of bone 2, early-onset (PDB2). Also called: Paget disease of bone 2. Identifiers: MedGen C4085251, MONDO:0011183, OMIM 602080.
Frontotemporal dementia and/or amyotrophic lateral sclerosis 1 (FTDALS1). Also called: Frontotemporal dementia with motor neuron disease 1; C9orf72 Frontotemporal Dementia and/or Amyotrophic Lateral Sclerosis. Identifiers: Orphanet 275872, MedGen C5779877, MONDO:0007105, OMIM 105550.
Frontotemporal dementia and/or amyotrophic lateral sclerosis 3. Also called: FTDALS3. Identifiers: Orphanet 275864, Orphanet 275872, Orphanet 803, MedGen C4225326, MONDO:0014640, OMIM 616437.

Allele frequency attached by ClinVar (database versions not stated): ExAC 0.00001; gnomAD exomes 0.00001 and 0.00002; TOPMed 0.00002.
gnomAD v4.1: 28 of 1,611,726 alleles (0.0017%); highest among the groups gnomAD compares: Admixed American, 0.018%; no homozygotes.

Submissions (3):

Mayo Clinic Laboratories, Mayo Clinic
Classification: Uncertain significance. Last evaluated: 2025-09-02. Review status: criteria provided, single submitter. Criteria: ACMG Guidelines, 2015. Collection method: clinical testing. Allele origin: germline. Observed: 1 variant allele.
Comment: BP4_moderate

Labcorp Genetics (formerly Invitae), Labcorp
Classification: Uncertain significance for Paget disease of bone 2, early-onset; Frontotemporal dementia and/or amyotrophic lateral sclerosis 1. Last evaluated: 2025-03-16. Review status: criteria provided, single submitter. Criteria: Invitae Variant Classification Sherloc (09022015). Collection method: clinical testing. Allele origin: germline.
Comment: This sequence change replaces lysine, which is basic and polar, with arginine, which is basic and polar, at codon 103 of the SQSTM1 protein (p.Lys103Arg). This variant is present in population databases (rs748170760, gnomAD 0.006%). This missense change has been observed in individual(s) with clinical features of SQSTM1-related conditions (internal data). ClinVar contains an entry for this variant (Variation ID: 1057481). Invitae Evidence Modeling of protein sequence and biophysical properties (such as structural, functional, and spatial information, amino acid conservation, physicochemical variation, residue mobility, and thermodynamic stability) indicates that this missense variant is not expected to disrupt SQSTM1 protein function with a negative predictive value of 80%. In summary, the available evidence is currently insufficient to determine the role of this variant in disease. Therefore, it has been classified as a Variant of Uncertain Significance.

MGZ Medical Genetics Center
Classification: Uncertain significance for Frontotemporal dementia and/or amyotrophic lateral sclerosis 3. Last evaluated: 2022-03-22. Review status: criteria provided, single submitter. Criteria: ACMG Guidelines, 2015. Collection method: clinical testing. Allele origin: germline. Affected: yes. Observed: 1 variant allele.
Comment: ACMG criteria applied: PM2_SUP, BP4

Literature cited by the submitters: PubMed 24899140 (cited by Mayo Clinic Laboratories, Mayo Clinic).

NM_003900.5(SQSTM1):c.308A>G (p.Lys103Arg)

Gene: SQSTM1 (sequestosome 1; plus strand). Cytogenetic location: 5q35.3.
Variant type: single nucleotide variant.
Coding change: c.308A>G on transcript NM_003900.5 (MANE Select); coding-DNA position 308, A replaced by G.
Protein change: p.Lys103Arg; replaces lysine 103 with arginine.
Molecular consequence: missense variant.
Genome position (GRCh38, 1-based): chr5:179,823,864, A>G. VCF-style: chr5-179823864-A-G. GRCh37 (hg19) VCF-style: chr5-179250864-A-G.
Other names: p.Lys103Arg; c.56A>G, p.Lys19Arg (NM_001142298.2, NM_001142299.2); short protein forms K103R, K19R.
Identifiers: ClinVar variation 1057481 (VCV001057481.12), dbSNP rs748170760, ClinGen allele CA3600462.